The following is an entry in ClinVar:

ClinVar aggregate classification (germline): Uncertain significance (1 of 4 stars; one submission).

Allele frequency attached by ClinVar (database versions not stated): gnomAD exomes below 0.00001.
gnomAD v4.1: 1 of 1,613,822 alleles (0.000062%); highest among the groups gnomAD compares: East Asian, 0.0022%; no homozygotes.

Submission:

Labcorp Genetics (formerly Invitae), Labcorp
Classification: Uncertain significance. Last evaluated: 2022-08-09. Review status: criteria provided, single submitter. Criteria: Invitae Variant Classification Sherloc (09022015). Collection method: clinical testing. Allele origin: germline.
Comment: This sequence change replaces leucine, which is neutral and non-polar, with proline, which is neutral and non-polar, at codon 6 of the TUBGCP4 protein (p.Leu6Pro). This variant is present in population databases (no rsID available, gnomAD 0.006%). This variant has not been reported in the literature in individuals affected with TUBGCP4-related conditions. ClinVar contains an entry for this variant (Variation ID: 1462703). Algorithms developed to predict the effect of missense changes on protein structure and function are either unavailable or do not agree on the potential impact of this missense change (SIFT: "Deleterious"; PolyPhen-2: "Probably Damaging"; Align-GVGD: "Class C0"). In summary, the available evidence is currently insufficient to determine the role of this variant in disease. Therefore, it has been classified as a Variant of Uncertain Significance.

NM_014444.5(TUBGCP4):c.17T>C (p.Leu6Pro)

Gene: TUBGCP4 (tubulin gamma complex component 4; plus strand). Cytogenetic location: 15q15.3.
Variant type: single nucleotide variant.
Coding change: c.17T>C on transcript NM_014444.5 (MANE Select); coding-DNA position 17, T replaced by C.
Protein change: p.Leu6Pro; replaces leucine 6 with proline.
Molecular consequence: missense variant.
Genome position (GRCh38, 1-based): chr15:43,371,371, T>C. VCF-style: chr15-43371371-T-C. GRCh37 (hg19) VCF-style: chr15-43663569-T-C.
Other names: c.17T>C, p.Leu6Pro (NM_001286414.3); short protein forms L6P.
Identifiers: ClinVar variation 1462703 (VCV001462703.3), dbSNP rs771570959, ClinGen allele CA392112637.